The following is an entry in ClinVar:

NM_000020.3(ACVRL1):c.874C>T (p.Gln292Ter)

Gene: ACVRL1 (activin A receptor like type 1; plus strand). Cytogenetic location: 12q13.13.
Variant type: single nucleotide variant.
Coding change: c.874C>T on transcript NM_000020.3 (MANE Select); coding-DNA position 874, C replaced by T.
Protein change: p.Gln292Ter; replaces glutamine 292 with a stop codon.
Molecular consequence: nonsense.
Genome position (GRCh38, 1-based): chr12:51,915,326, C>T. VCF-style: chr12-51915326-C-T. GRCh37 (hg19) VCF-style: chr12-52309110-C-T.
Other names: c.874C>T, p.Gln292Ter (NM_001077401.2); short protein forms Q292*.
Identifiers: ClinVar variation 940730 (VCV000940730.11), dbSNP rs1940805354, ClinGen allele CA384900636.

ClinVar aggregate classification (germline): Pathogenic. Review status: criteria provided, multiple submitters, no conflicts (2 of 4 stars). 2 submissions from 2 submitters: Pathogenic (2). Last evaluated 2024-07-24.

Conditions:
Cardiovascular phenotype. Identifiers: MedGen CN230736.
Telangiectasia, hereditary hemorrhagic, type 2 (HHT2). Also called: ACVRL1-Related Hereditary Hemorrhagic Telangiectasia; Telangiectasia, hereditary hemorrhagic, type II. Identifiers: Orphanet 774, MedGen C1838163, MONDO:0010880, OMIM 600376. Disease mechanism: loss of function.

Submissions (2):

Labcorp Genetics (formerly Invitae), Labcorp
Classification: Pathogenic for Telangiectasia, hereditary hemorrhagic, type 2. Last evaluated: 2024-07-24. Review status: criteria provided, single submitter. Criteria: Invitae Variant Classification Sherloc (09022015). Collection method: clinical testing. Allele origin: germline.
Comment: This sequence change creates a premature translational stop signal (p.Gln292*) in the ACVRL1 gene. It is expected to result in an absent or disrupted protein product. Loss-of-function variants in ACVRL1 are known to be pathogenic (PMID: 15879500). This variant is not present in population databases (gnomAD no frequency). This premature translational stop signal has been observed in individual(s) with hereditary hemorrhagic telangiectasia (PMID: 21158752). ClinVar contains an entry for this variant (Variation ID: 940730). For these reasons, this variant has been classified as Pathogenic.

Ambry Genetics
Classification: Pathogenic for Cardiovascular phenotype. Last evaluated: 2017-01-20. Review status: criteria provided, single submitter. Criteria: Ambry Variant Classification Scheme 2023. Collection method: clinical testing. Allele origin: germline.
Comment: The p.Q292* pathogenic mutation (also known as c.874C>T), located in coding exon 6 of the ACVRL1 gene, results from a C to T substitution at nucleotide position 874. This changes the amino acid from a glutamine to a stop codon within coding exon 6. This alteration is expected to result in loss of function by premature protein truncation or nonsense-mediated mRNA decay. As such, this alteration is interpreted as a disease-causing mutation.

Literature cited by the submitters: PubMed 15879500 (cited by Labcorp Genetics (formerly Invitae), Labcorp); PubMed 21158752 (cited by Labcorp Genetics (formerly Invitae), Labcorp).